The following is an entry in ClinVar:

ClinVar aggregate classification (germline): Likely benign. Review status: criteria provided, multiple submitters, no conflicts (2 of 4 stars). 3 submissions from 3 submitters: Likely benign (3). Last evaluated 2025-07-14.

Conditions:
Familial thoracic aortic aneurysm and aortic dissection (TAAD). Also called: Thoracic aortic aneurysms and dissections. Identifiers: Orphanet 91387, MedGen C4707243, MONDO:0019625.
Ehlers-Danlos syndrome, classic type, 1 (EDSCL1). Also called: EHLERS-DANLOS SYNDROME, GRAVIS TYPE; EHLERS-DANLOS SYNDROME, SEVERE CLASSIC TYPE; Ehlers-Danlos syndrome, type 1; Ehlers-Danlos Syndrome, Classic Type, COL5A1-Related; EDS I. Identifiers: MedGen C0268335, MONDO:0019567, OMIM 130000.

Allele frequency attached by ClinVar (database versions not stated): gnomAD 0.00001; TOPMed 0.00001.
gnomAD v4.1: 25 of 1,614,100 alleles (0.0015%); highest among the groups gnomAD compares: Non-Finnish European, 0.0019%; no homozygotes.

Submissions (3):

Mayo Clinic Laboratories, Mayo Clinic
Classification: Likely benign. Last evaluated: 2025-07-14. Review status: criteria provided, single submitter. Criteria: ACMG Guidelines, 2015. Collection method: clinical testing. Allele origin: germline. Observed: 1 variant allele.
Comment: BP4, BP7

Labcorp Genetics (formerly Invitae), Labcorp
Classification: Likely benign for Ehlers-Danlos syndrome, classic type, 1. Last evaluated: 2025-02-18. Review status: criteria provided, single submitter. Criteria: Invitae Variant Classification Sherloc (09022015). Collection method: clinical testing. Allele origin: germline.

Ambry Genetics
Classification: Likely benign for Familial thoracic aortic aneurysm and aortic dissection. Last evaluated: 2023-07-14. Review status: criteria provided, single submitter. Criteria: Ambry Variant Classification Scheme 2023. Collection method: clinical testing. Allele origin: germline.

NM_000093.5(COL5A1):c.1359C>G (p.Gly453=)

Gene: COL5A1 (collagen type V alpha 1 chain; plus strand). Cytogenetic location: 9q34.3.
Variant type: single nucleotide variant.
Coding change: c.1359C>G on transcript NM_000093.5 (MANE Select); coding-DNA position 1359, C replaced by G.
Protein change: p.Gly453=; no amino-acid change (glycine 453 retained).
Molecular consequence: synonymous variant.
Genome position (GRCh38, 1-based): chr9:134,732,097, C>G. VCF-style: chr9-134732097-C-G. GRCh37 (hg19) VCF-style: chr9-137623943-C-G.
Other names: p.Gly453=; c.1359C>G, p.Gly453= (NM_001278074.1).
Identifiers: ClinVar variation 2625451 (VCV002625451.4), dbSNP rs928549177, ClinGen allele CA201109158.